The following is an entry in ClinVar:

NM_001365480.1(CCDC88A):c.5000G>A (p.Arg1667Gln)

Gene: CCDC88A (coiled-coil domain containing 88A; minus strand). Cytogenetic location: 2p16.1.
Variant type: single nucleotide variant.
Coding change: c.5000G>A on transcript NM_001365480.1 (MANE Select); coding-DNA position 5000, G replaced by A.
Protein change: p.Arg1667Gln; replaces arginine 1667 with glutamine.
Molecular consequence: missense variant.
Genome position (GRCh38, 1-based): chr2:55,296,349, C>T on the plus strand (G>A on the coding strand, the complement: CCDC88A is on the minus strand). VCF-style: chr2-55296349-C-T. GRCh37 (hg19) VCF-style: chr2-55523485-C-T.
Other names: c.4997G>A, p.Arg1666Gln (NM_001135597.2, NM_001254943.2); c.4916G>A, p.Arg1639Gln (NM_018084.5); c.4997G>A (NM_001135597.1); short protein forms R1639Q, R1666Q, R1667Q.
Identifiers: ClinVar variation 1447434 (VCV001447434.5), dbSNP rs147103619, ClinGen allele CA1665418.

ClinVar aggregate classification (germline): Uncertain significance. Review status: criteria provided, multiple submitters, no conflicts (2 of 4 stars). 2 submissions from 2 submitters: Uncertain significance (2). Last evaluated 2025-04-25.

Allele frequency attached by ClinVar (database versions not stated): ESP Exome Variant Server 0.00023; TOPMed 0.00026; gnomAD exomes 0.00006; gnomAD 0.00023 and 0.00025; ExAC 0.00007.
gnomAD v4.1: 84 of 1,613,968 alleles (0.0052%); highest among the groups gnomAD compares: African/African-American, 0.057%; 1 homozygote.

Submissions (2):

Ambry Genetics
Classification: Uncertain significance. Last evaluated: 2025-04-25. Review status: criteria provided, single submitter. Criteria: Ambry Variant Classification Scheme 2023. Collection method: clinical testing. Allele origin: germline.

Labcorp Genetics (formerly Invitae), Labcorp
Classification: Uncertain significance. Last evaluated: 2022-08-30. Review status: criteria provided, single submitter. Criteria: Invitae Variant Classification Sherloc (09022015). Collection method: clinical testing. Allele origin: germline.
Comment: This sequence change replaces arginine, which is basic and polar, with glutamine, which is neutral and polar, at codon 1666 of the CCDC88A protein (p.Arg1666Gln). This variant is present in population databases (rs147103619, gnomAD 0.05%). This variant has not been reported in the literature in individuals affected with CCDC88A-related conditions. ClinVar contains an entry for this variant (Variation ID: 1447434). Algorithms developed to predict the effect of missense changes on protein structure and function output the following: SIFT: "Tolerated"; PolyPhen-2: "Benign"; Align-GVGD: "Class C0". The glutamine amino acid residue is found in multiple mammalian species, which suggests that this missense change does not adversely affect protein function. In summary, the available evidence is currently insufficient to determine the role of this variant in disease. Therefore, it has been classified as a Variant of Uncertain Significance.